The following is an entry in ClinVar:

ClinVar aggregate classification (germline): Benign. Review status: criteria provided, multiple submitters, no conflicts (2 of 4 stars). 12 submissions from 12 submitters: Benign (10). 2 of the submissions do not count toward it. Last evaluated 2026-02-03.

Conditions:
Bethlem myopathy 1A. Also called: Bethlem Muscular Dystrophy; MYOPATHY, BENIGN CONGENITAL, WITH CONTRACTURES; Bethlem myopathy 1. Identifiers: Orphanet 610, MedGen CN029274, MONDO:0024530, OMIM 158810.
Collagen 6-related myopathy. Identifiers: MedGen CN117976, MONDO:0100225.

Allele frequency attached by ClinVar (database versions not stated): gnomAD exomes 0.05024 and 0.07514; ESP Exome Variant Server 0.05530; gnomAD 0.06098 and 0.06573; TOPMed 0.07299; ExAC 0.07579; 1000 Genomes Project 30x 0.13320; 1000 Genomes Project 0.13778.
gnomAD v4.1: 83,972 of 1,612,788 alleles (5.2%); highest among the groups gnomAD compares: East Asian, 40%; 5,672 homozygotes.

Submissions (12):

Labcorp Genetics (formerly Invitae), Labcorp
Classification: Benign for Bethlem myopathy 1A. Last evaluated: 2026-02-03. Review status: criteria provided, single submitter. Criteria: Invitae Variant Classification Sherloc (09022015). Collection method: clinical testing. Allele origin: germline.

Blueprint Genetics
Classification: Benign. Last evaluated: 2024-11-28. Review status: criteria provided, single submitter. Criteria: ACMG Guidelines, 2015. Collection method: clinical testing. Allele origin: germline.

Illumina Laboratory Services, Illumina
Classification: Benign for Collagen VI-related myopathy. Last evaluated: 2018-01-13. Review status: criteria provided, single submitter. Criteria: ICSL Variant Classification Criteria 13 December 2019. Collection method: clinical testing. Allele origin: germline.
Comment: This variant was observed in the ICSL laboratory as part of a predisposition screen in an ostensibly healthy population. It had not been previously curated by ICSL or reported in the Human Gene Mutation Database (HGMD: prior to June 1st, 2018), and was therefore a candidate for classification through an automated scoring system. Utilizing variant allele frequency, disease prevalence and penetrance estimates, and inheritance mode, an automated score was calculated to assess if this variant is too frequent to cause the disease. Based on the score and internal cut-off values, a variant classified as benign is not then subjected to further curation. The score for this variant resulted in a classification of benign for this disease.

Mayo Clinic Laboratories, Mayo Clinic
Classification: Benign. Last evaluated: 2017-12-04. Review status: criteria provided, single submitter. Criteria: ACMG Guidelines, 2015. Collection method: clinical testing. Allele origin: germline. Observed: 82 variant alleles.

Athena Diagnostics
Classification: Benign. Last evaluated: 2017-11-06. Review status: criteria provided, single submitter. Criteria: Athena Diagnostics Criteria. Collection method: clinical testing. Allele origin: germline.

GeneDx
Classification: Benign. Last evaluated: 2016-01-28. Review status: criteria provided, single submitter. Criteria: GeneDx Variant Classification (06012015). Collection method: clinical testing. Allele origin: germline. Affected: yes.
Comment: This variant is considered likely benign or benign based on one or more of the following criteria: it is a conservative change, it occurs at a poorly conserved position in the protein, it is predicted to be benign by multiple in silico algorithms, and/or has population frequency not consistent with disease.

Eurofins Ntd Llc (ga)
Classification: Benign. Last evaluated: 2014-05-07. Review status: criteria provided, single submitter. Criteria: EGL Classification Definitions 2015. Collection method: clinical testing. Allele origin: germline. Observed: 26 variant alleles, 26 heterozygotes.

Genetic Services Laboratory, University of Chicago
Classification: Benign for AllHighlyPenetrant. Last evaluated: 2013-08-15. Review status: criteria provided, single submitter. Criteria: ACMG Guidelines, 2007. Collection method: clinical testing. Allele origin: germline.

Breakthrough Genomics
Classification: Benign. Review status: criteria provided, single submitter. Criteria: ACMG Guidelines, 2015. Collection method: not provided. Allele origin: germline. Inheritance: Autosomal recessive inheritance. Affected: yes.

PreventionGenetics, part of Exact Sciences
Classification: Benign. Review status: criteria provided, single submitter. Criteria: ACMG Guidelines, 2015. Collection method: clinical testing. Allele origin: germline.

Clinical Genetics, Academic Medical Center
Classification: Benign. Review status: no assertion criteria provided. Collection method: clinical testing. Allele origin: germline. Affected: yes. Study: VKGL Data-share Consensus. Not counted in ClinVar's aggregate classification.

Joint Genome Diagnostic Labs from Nijmegen and Maastricht, Radboudumc and MUMC+
Classification: Benign. Review status: no assertion criteria provided. Collection method: clinical testing. Allele origin: germline. Affected: yes. Study: VKGL Data-share Consensus. Not counted in ClinVar's aggregate classification.

NM_001849.4(COL6A2):c.1770+4G>A

Gene: COL6A2 (collagen type VI alpha 2 chain; plus strand). Cytogenetic location: 21q22.3.
Variant type: single nucleotide variant.
Coding change: c.1770+4G>A on transcript NM_001849.4 (MANE Select); 4 bases into the intron after coding-DNA position 1770, G replaced by A.
Molecular consequence: intron variant.
Genome position (GRCh38, 1-based): chr21:46,124,924, G>A. VCF-style: chr21-46124924-G-A. GRCh37 (hg19) VCF-style: chr21-47544838-G-A.
Other names: p.?; c.1770+4G>A (NM_058175.3, NM_058174.3).
Identifiers: ClinVar variation 93921 (VCV000093921.30), dbSNP rs9981981, ClinGen allele CA147447.